The following is an entry in ClinVar:

ClinVar aggregate classification (germline): Uncertain significance (1 of 4 stars; one submission).

Allele frequency attached by ClinVar (database versions not stated): gnomAD 0.00001; TOPMed 0.00001; ExAC 0.00003; gnomAD exomes 0.00003; ESP Exome Variant Server 0.00008.
gnomAD v4.1: 40 of 1,613,246 alleles (0.0025%); highest among the groups gnomAD compares: South Asian, 0.014%; no homozygotes.

Submission:

Labcorp Genetics (formerly Invitae), Labcorp
Classification: Uncertain significance. Last evaluated: 2025-09-30. Review status: criteria provided, single submitter. Criteria: Invitae Variant Classification Sherloc (09022015). Collection method: clinical testing. Allele origin: germline.
Comment: This sequence change falls in intron 6 of the SEPT9 gene. It does not directly change the encoded amino acid sequence of the SEPT9 protein. It affects a nucleotide within the consensus splice site. This variant is present in population databases (rs374466859, gnomAD 0.01%). This variant has not been reported in the literature in individuals affected with SEPT9-related conditions. ClinVar contains an entry for this variant (Variation ID: 1682653). Variants that disrupt the consensus splice site are a relatively common cause of aberrant splicing (PMID: 17576681, 9536098). Algorithms developed to predict the effect of sequence changes on RNA splicing suggest that this variant is not likely to affect RNA splicing. In summary, the available evidence is currently insufficient to determine the role of this variant in disease. Therefore, it has been classified as a Variant of Uncertain Significance.

Literature cited by the submitters: PubMed 17576681; PubMed 9536098.

NM_001113491.2(SEPTIN9):c.1262+4C>T

Gene: SEPTIN9 (septin 9; plus strand). Cytogenetic location: 17q25.3.
Variant type: single nucleotide variant.
Coding change: c.1262+4C>T on transcript NM_001113491.2 (MANE Select); 4 bases into the intron after coding-DNA position 1262, C replaced by T.
Molecular consequence: intron variant.
Genome position (GRCh38, 1-based): chr17:77,488,868, C>T. VCF-style: chr17-77488868-C-T. GRCh37 (hg19) VCF-style: chr17-75484950-C-T.
Other names: c.1205+4C>T (NM_001293695.2); c.770+4C>T (NM_001113492.2, NM_001113494.1); c.1208+4C>T (NM_006640.5); c.1241+4C>T (NM_001113493.2); c.590+4C>T (NM_001293696.2); c.509+4C>T (NM_001113496.2, NM_001293697.2, NM_001293698.2 and 1 more transcripts).
Identifiers: ClinVar variation 1682653 (VCV001682653.5), dbSNP rs374466859, ClinGen allele CA8793729.